The following is an entry in ClinVar:

NM_007194.4(CHEK2):c.445-2A>T

Gene: CHEK2 (checkpoint kinase 2; minus strand). Cytogenetic location: 22q12.1.
Variant type: single nucleotide variant.
Coding change: c.445-2A>T on transcript NM_007194.4 (MANE Select); the canonical splice acceptor site of the intron before coding-DNA position 445, A replaced by T.
Molecular consequence: splice acceptor variant. On other transcripts: intron variant (1).
Genome position (GRCh38, 1-based): chr22:28,725,126, T>A on the plus strand (A>T on the coding strand, the complement: CHEK2 is on the minus strand). VCF-style: chr22-28725126-T-A. GRCh37 (hg19) VCF-style: chr22-29121114-T-A.
Other names: c.-219-2A>T (NM_001437942.1); c.444+117A>T (NM_001349956.3); c.445-2A>T (NM_145862.3); c.-333-2A>T (NM_001257387.3); c.538-2A>T (NM_001438295.1, NM_001438293.1); c.574-2A>T (NM_001438294.1, NM_001005735.3).
Identifiers: ClinVar variation 2011744 (VCV002011744.5), dbSNP rs1569158075, ClinGen allele CA411107788.

ClinVar aggregate classification (germline): Likely pathogenic. Review status: criteria provided, multiple submitters, no conflicts (2 of 4 stars). 2 submissions from 2 submitters: Likely pathogenic (2). Last evaluated 2023-01-11.

Conditions:
Familial cancer of breast. Also called: hereditary breast carcinoma; BREAST CANCER, FAMILIAL; Hereditary breast cancer. Identifiers: Orphanet 227535, MedGen C0346153, MONDO:0016419, OMIM 114480. Disease mechanism: loss of function.

Submissions (2):

Myriad Genetics, Inc.
Classification: Likely pathogenic for Familial cancer of breast. Last evaluated: 2023-01-11. Review status: criteria provided, single submitter. Criteria: Myriad Autosomal Dominant, Autosomal Recessive and X-Linked Classification Criteria (2023). Collection method: clinical testing. Allele origin: unknown.
Comment: This variant is considered likely pathogenic. This variant occurs within a consensus splice junction and is predicted to result in abnormal mRNA splicing of either an out-of-frame exon or an in-frame exon necessary for protein stability and/or normal function.

Labcorp Genetics (formerly Invitae), Labcorp
Classification: Likely pathogenic for Familial cancer of breast. Last evaluated: 2022-06-28. Review status: criteria provided, single submitter. Criteria: Invitae Variant Classification Sherloc (09022015). Collection method: clinical testing. Allele origin: germline.
Comment: In summary, the currently available evidence indicates that the variant is pathogenic, but additional data are needed to prove that conclusively. Therefore, this variant has been classified as Likely Pathogenic. Algorithms developed to predict the effect of sequence changes on RNA splicing suggest that this variant may disrupt the consensus splice site. This variant has not been reported in the literature in individuals affected with CHEK2-related conditions. This variant is not present in population databases (gnomAD no frequency). This sequence change affects an acceptor splice site in intron 3 of the CHEK2 gene. It is expected to disrupt RNA splicing. Variants that disrupt the donor or acceptor splice site typically lead to a loss of protein function (PMID: 16199547), and loss-of-function variants in CHEK2 are known to be pathogenic (PMID: 21876083, 24713400).

Literature cited by the submitters: PubMed 16199547 (cited by Labcorp Genetics (formerly Invitae), Labcorp); PubMed 21876083 (cited by Labcorp Genetics (formerly Invitae), Labcorp); PubMed 24713400 (cited by Labcorp Genetics (formerly Invitae), Labcorp).